The following is an entry in ClinVar:

ClinVar aggregate classification (germline): Uncertain significance (1 of 4 stars; one submission).

Conditions:
Neurofibromatosis, type 1 (NF1). Also called: Peripheral type neurofibromatosis; VON RECKLINGHAUSEN DISEASE; Neurofibromatosis, type I; NEUROFIBROMATOSIS, TYPE I, SOMATIC. Identifiers: Orphanet 636, MedGen C0027831, MONDO:0018975, OMIM 162200. Disease mechanism: loss of function.

Submission:

Labcorp Genetics (formerly Invitae), Labcorp
Classification: Uncertain significance for Neurofibromatosis, type 1. Last evaluated: 2019-05-14. Review status: criteria provided, single submitter. Criteria: Invitae Variant Classification Sherloc (09022015). Collection method: clinical testing. Allele origin: germline.
Comment: In summary, the available evidence is currently insufficient to determine the role of this variant in disease. Therefore, it has been classified as a Variant of Uncertain Significance. This variant is not present in population databases (ExAC no frequency). This sequence change replaces threonine with lysine at codon 964 of the NF1 protein (p.Thr964Lys). The threonine residue is highly conserved and there is a moderate physicochemical difference between threonine and lysine. Algorithms developed to predict the effect of missense changes on protein structure and function are either unavailable or do not agree on the potential impact of this missense change (SIFT: "Tolerated"; PolyPhen-2: "Probably Damaging"; Align-GVGD: "Class C0").

NM_001042492.3(NF1):c.2891_2892delinsAG (p.Thr964Lys)

Gene: NF1 (neurofibromin 1; plus strand). Cytogenetic location: 17q11.2.
Variant type: Indel.
Coding change: c.2891_2892delinsAG on transcript NM_001042492.3 (MANE Select); coding-DNA positions 2891 to 2892, CC replaced by AG.
Protein change: p.Thr964Lys; replaces threonine 964 with lysine.
Molecular consequence: missense variant.
Genome position (GRCh38, 1-based): chr17:31,229,875-31,229,876, CC replaced by AG. VCF-style: chr17-31229875-CC-AG. GRCh37 (hg19) VCF-style: chr17-29556893-CC-AG.
Other names: c.2891_2892delCCinsAG, p.Thr964Lys (NM_000267.4); short protein forms T964K.
Identifiers: ClinVar variation 940258 (VCV000940258.5), dbSNP rs2067083355, ClinGen allele CA1139665442.